The following is an entry in ClinVar:

NM_001193315.2(VIPAS39):c.558A>G (p.Glu186=)

Gene: VIPAS39 (VPS33B interacting protein, apical-basolateral polarity regulator, spe-39 homolog; minus strand). Cytogenetic location: 14q24.3.
Variant type: single nucleotide variant.
Coding change: c.558A>G on transcript NM_001193315.2 (MANE Select); coding-DNA position 558, A replaced by G.
Protein change: p.Glu186=; no amino-acid change (glutamic acid 186 retained).
Molecular consequence: synonymous variant.
Genome position (GRCh38, 1-based): chr14:77,444,288, T>C on the plus strand (A>G on the coding strand, the complement: VIPAS39 is on the minus strand). VCF-style: chr14-77444288-T-C. GRCh37 (hg19) VCF-style: chr14-77910631-T-C.
Other names: c.558A>G, p.Glu186= (NM_001193314.2, NM_001193317.2, NM_022067.4); c.411A>G, p.Glu137= (NM_001193316.2).
Identifiers: ClinVar variation 593568 (VCV000593568.33), dbSNP rs148623263, ClinGen allele CA7288052.

ClinVar aggregate classification (germline): Conflicting classifications of pathogenicity. Review status: criteria provided, conflicting classifications (1 of 4 stars). 4 submissions from 4 submitters: Uncertain significance (1); Likely benign (3). Last evaluated 2026-04-01.

Allele frequency attached by ClinVar (database versions not stated): gnomAD exomes 0.00041 and 0.00035; ExAC 0.00050; 1000 Genomes Project 30x 0.00016; 1000 Genomes Project 0.00020; TOPMed 0.00032; gnomAD 0.00033 and 0.00035; ESP Exome Variant Server 0.00038.
gnomAD v4.1: 644 of 1,613,946 alleles (0.04%); highest among the groups gnomAD compares: Non-Finnish European, 0.051%; no homozygotes.

Submissions (4):

CeGaT Center for Human Genetics Tuebingen
Classification: Likely benign. Last evaluated: 2026-04-01. Review status: criteria provided, single submitter. Criteria: CeGaT Center For Human Genetics Tuebingen Variant Classification Criteria Version 2. Collection method: clinical testing. Allele origin: germline. Affected: yes. Observed: 2 variant alleles.
Comment: VIPAS39: BP4, BP7

Labcorp Genetics (formerly Invitae), Labcorp
Classification: Likely benign. Last evaluated: 2026-01-06. Review status: criteria provided, single submitter. Criteria: Invitae Variant Classification Sherloc (09022015). Collection method: clinical testing. Allele origin: germline.

Blueprint Genetics
Classification: Likely benign. Last evaluated: 2024-11-12. Review status: criteria provided, single submitter. Criteria: ACMG Guidelines, 2015. Collection method: clinical testing. Allele origin: germline.

Eurofins Ntd Llc (ga)
Classification: Uncertain significance. Last evaluated: 2018-07-20. Review status: criteria provided, single submitter. Criteria: EGL ClinVar v180209 classification definitions. Collection method: clinical testing. Allele origin: germline. Observed: 3 variant alleles, 3 heterozygotes.